The following is an entry in ClinVar:

ClinVar aggregate classification (germline): Conflicting classifications of pathogenicity. Review status: criteria provided, conflicting classifications (1 of 4 stars). 2 submissions from 2 submitters: Uncertain significance (1); Likely benign (1). Last evaluated 2022-12-30.

Conditions:
Pancreatic cancer, susceptibility to, 1. Identifiers: Orphanet 1333, MedGen C1847351, MONDO:0011739, OMIM 606856.

Allele frequency attached by ClinVar (database versions not stated): TOPMed 0.00002; ExAC 0.00004.
gnomAD v4.1: 19 of 1,614,076 alleles (0.0012%); highest among the groups gnomAD compares: East Asian, 0.04%; no homozygotes.

Submissions (2):

Ambry Genetics
Classification: Uncertain significance. Last evaluated: 2022-12-30. Review status: criteria provided, single submitter. Criteria: Ambry Variant Classification Scheme 2023. Collection method: clinical testing. Allele origin: germline.
Comment: The p.D337E variant (also known as c.1011C>A), located in coding exon 2 of the PALLD gene, results from a C to A substitution at nucleotide position 1011. The aspartic acid at codon 337 is replaced by glutamic acid, an amino acid with highly similar properties. This amino acid position is conserved. In addition, this alteration is predicted to be tolerated by in silico analysis. Since supporting evidence is limited at this time, the clinical significance of this alteration remains unclear.

Illumina Laboratory Services, Illumina
Classification: Likely benign for Pancreatic cancer, susceptibility to, 1. Last evaluated: 2018-01-13. Review status: criteria provided, single submitter. Criteria: ICSL Variant Classification Criteria 13 December 2019. Collection method: clinical testing. Allele origin: germline.
Comment: This variant was observed in the ICSL laboratory as part of a predisposition screen in an ostensibly healthy population. It had not been previously curated by ICSL or reported in the Human Gene Mutation Database (HGMD: prior to June 1st, 2018), and was therefore a candidate for classification through an automated scoring system. Utilizing variant allele frequency, disease prevalence and penetrance estimates, and inheritance mode, an automated score was calculated to assess if this variant is too frequent to cause the disease. Based on the score and internal cut-off values, a variant classified as likely benign is not then subjected to further curation. The score for this variant resulted in a classification of likely benign for this disease.

NM_001166108.2(PALLD):c.1011C>A (p.Asp337Glu)

Gene: PALLD (palladin, cytoskeletal associated protein; plus strand). Cytogenetic location: 4q32.3.
Variant type: single nucleotide variant.
Coding change: c.1011C>A on transcript NM_001166108.2 (MANE Select); coding-DNA position 1011, C replaced by A.
Protein change: p.Asp337Glu; replaces aspartic acid 337 with glutamic acid.
Molecular consequence: missense variant. On other transcripts: 5 prime UTR variant (1).
Genome position (GRCh38, 1-based): chr4:168,668,292, C>A. VCF-style: chr4-168668292-C-A. GRCh37 (hg19) VCF-style: chr4-169589443-C-A.
Other names: c.1011C>A (NM_016081.3); c.-136C>A (NM_001166109.2); c.1011C>A, p.Asp337Glu (NM_016081.4); short protein forms D337E.
Identifiers: ClinVar variation 902976 (VCV000902976.6), dbSNP rs763283965, ClinGen allele CA3135489.